The following is an entry in ClinVar:

ClinVar aggregate classification (germline): Likely benign. Review status: criteria provided, multiple submitters, no conflicts (2 of 4 stars). 4 submissions from 4 submitters: Likely benign (4). Last evaluated 2024-11-25.

Allele frequency attached by ClinVar (database versions not stated): 1000 Genomes Project 0.00020; 1000 Genomes Project 30x 0.00031; gnomAD 0.00058 and 0.00065; ESP Exome Variant Server 0.00069; ExAC 0.00081; TOPMed 0.00088.
gnomAD v4.1: 911 of 1,612,780 alleles (0.056%); highest among the groups gnomAD compares: Middle Eastern, 1.1%; 2 homozygotes.

Submissions (4):

Blueprint Genetics
Classification: Likely benign. Last evaluated: 2024-11-25. Review status: criteria provided, single submitter. Criteria: ACMG Guidelines, 2015. Collection method: clinical testing. Allele origin: germline.

CeGaT Center for Human Genetics Tuebingen
Classification: Likely benign. Last evaluated: 2024-03-01. Review status: criteria provided, single submitter. Criteria: CeGaT Center For Human Genetics Tuebingen Variant Classification Criteria Version 2. Collection method: clinical testing. Allele origin: germline. Affected: yes. Observed: 1 variant allele.
Comment: EOMES: BP4, BP7

Labcorp Genetics (formerly Invitae), Labcorp
Classification: Likely benign. Last evaluated: 2019-01-01. Review status: criteria provided, single submitter. Criteria: Invitae Variant Classification Sherloc (09022015). Collection method: clinical testing. Allele origin: germline.

Breakthrough Genomics
Classification: Likely benign. Review status: criteria provided, single submitter. Criteria: ACMG Guidelines, 2015. Collection method: not provided. Allele origin: germline. Inheritance: Unknown mechanism. Affected: yes.

NM_001278182.2(EOMES):c.1176C>T (p.Ser392=)

Gene: EOMES (eomesodermin; minus strand). Cytogenetic location: 3p24.1.
Variant type: single nucleotide variant.
Coding change: c.1176C>T on transcript NM_001278182.2 (MANE Select); coding-DNA position 1176, C replaced by T.
Protein change: p.Ser392=; no amino-acid change (serine 392 retained).
Molecular consequence: synonymous variant.
Genome position (GRCh38, 1-based): chr3:27,718,876, G>A on the plus strand (C>T on the coding strand, the complement: EOMES is on the minus strand). VCF-style: chr3-27718876-G-A. GRCh37 (hg19) VCF-style: chr3-27760367-G-A.
Other names: c.291C>T, p.Ser97= (NM_001278183.2); c.1176C>T, p.Ser392= (NM_005442.4).
Identifiers: ClinVar variation 771851 (VCV000771851.26), dbSNP rs147676215, ClinGen allele CA2292598.